The following is an entry in ClinVar:

NM_001364905.1(LRBA):c.1931C>T (p.Pro644Leu)

Gene: LRBA (LPS responsive beige-like anchor protein; minus strand). Cytogenetic location: 4q31.3.
Variant type: single nucleotide variant.
Coding change: c.1931C>T on transcript NM_001364905.1 (MANE Select); coding-DNA position 1931, C replaced by T.
Protein change: p.Pro644Leu; replaces proline 644 with leucine.
Molecular consequence: missense variant.
Genome position (GRCh38, 1-based): chr4:150,897,812, G>A on the plus strand (C>T on the coding strand, the complement: LRBA is on the minus strand). VCF-style: chr4-150897812-G-A. GRCh37 (hg19) VCF-style: chr4-151818964-G-A.
Other names: c.1931C>T, p.Pro644Leu (NM_001199282.3, NM_001367550.1, NM_006726.5); short protein forms P644L.
Identifiers: ClinVar variation 845723 (VCV000845723.44), dbSNP rs371718439, ClinGen allele CA3103426.
Genomic context (GRCh38, chr4:150,897,812, plus strand): 5'-TGCTTAATGAACATCAACAAGAATGCTCGTAGAGAAAGCATTTCTTTTTGATTAGGTCGC[G>A]GTCCATCTTTTAAAAAAATATACACATACACATTTAGTATTTAAAGGACCTCAAAGCTGT-3'
Protein context (NP_001351834.1, residues 634-654): SGITPKGLDG[Pro644Leu]RPNQKEMLSL

ClinVar aggregate classification (germline): Uncertain significance. Review status: criteria provided, multiple submitters, no conflicts (2 of 4 stars). 3 submissions from 3 submitters: Uncertain significance (3). Last evaluated 2024-07-31.

Conditions:
Combined immunodeficiency due to LRBA deficiency. Also called: Common variable immunodeficiency 8, with autoimmunity. Identifiers: Orphanet 445018, MedGen C3553512, MONDO:0013863, OMIM 614700.

Allele frequency attached by ClinVar (database versions not stated): gnomAD 0.00007; ESP Exome Variant Server 0.00008; gnomAD exomes 0.00003 and 0.00006; ExAC 0.00005; TOPMed 0.00006.
gnomAD v4.1: 54 of 1,608,692 alleles (0.0034%); highest among the groups gnomAD compares: South Asian, 0.0099%; no homozygotes.

Submissions (3):

Department of Human Genetics, Hannover Medical School
Classification: Uncertain significance for Combined immunodeficiency due to LRBA deficiency. Last evaluated: 2024-07-31. Review status: criteria provided, single submitter. Criteria: ACMG Guidelines, 2015. Collection method: clinical testing. Allele origin: germline. Inheritance: Autosomal recessive inheritance. Affected: yes.

Labcorp Genetics (formerly Invitae), Labcorp
Classification: Uncertain significance for Combined immunodeficiency due to LRBA deficiency. Last evaluated: 2022-04-03. Review status: criteria provided, single submitter. Criteria: Invitae Variant Classification Sherloc (09022015). Collection method: clinical testing. Allele origin: germline.
Comment: This sequence change replaces proline, which is neutral and non-polar, with leucine, which is neutral and non-polar, at codon 644 of the LRBA protein (p.Pro644Leu). The frequency data for this variant in the population databases is considered unreliable, as metrics indicate poor data quality at this position in the gnomAD database. This variant has not been reported in the literature in individuals affected with LRBA-related conditions. ClinVar contains an entry for this variant (Variation ID: 845723). Algorithms developed to predict the effect of missense changes on protein structure and function are either unavailable or do not agree on the potential impact of this missense change (SIFT: "Tolerated"; PolyPhen-2: "Probably Damaging"; Align-GVGD: "Class C0"). In summary, the available evidence is currently insufficient to determine the role of this variant in disease. Therefore, it has been classified as a Variant of Uncertain Significance.

CeGaT Center for Human Genetics Tuebingen
Classification: Uncertain significance. Last evaluated: 2020-05-01. Review status: criteria provided, single submitter. Criteria: CeGaT Center For Human Genetics Tuebingen Variant Classification Criteria Version 2. Collection method: clinical testing. Allele origin: germline. Affected: yes. Observed: 1 variant allele.